The following is an entry in ClinVar:

NM_001367624.2(ZNF469):c.11533C>T (p.Pro3845Ser)

Gene: ZNF469 (zinc finger protein 469; plus strand). Cytogenetic location: 16q24.2.
Variant type: single nucleotide variant.
Coding change: c.11533C>T on transcript NM_001367624.2 (MANE Select); coding-DNA position 11533, C replaced by T.
Protein change: p.Pro3845Ser; replaces proline 3845 with serine.
Molecular consequence: missense variant.
Genome position (GRCh38, 1-based): chr16:88,439,003, C>T. VCF-style: chr16-88439003-C-T. GRCh37 (hg19) VCF-style: chr16-88505411-C-T.
Other names: NM_001127464.1:c.11449C>T; short protein forms P3845S.
Identifiers: ClinVar variation 3476213 (VCV003476213.1).

ClinVar aggregate classification (germline): Uncertain significance (1 of 4 stars; one submission).

Conditions:
Cardiovascular phenotype. Identifiers: MedGen CN230736.

Submission:

Ambry Genetics
Classification: Uncertain significance for Cardiovascular phenotype. Last evaluated: 2024-09-15. Review status: criteria provided, single submitter. Criteria: Ambry Variant Classification Scheme 2023. Collection method: clinical testing. Allele origin: germline.
Comment: The p.P3817S variant (also known as c.11449C>T), located in coding exon 2 of the ZNF469 gene, results from a C to T substitution at nucleotide position 11449. The proline at codon 3817 is replaced by serine, an amino acid with similar properties. This amino acid position is conserved. In addition, this alteration is predicted to be tolerated by in silico analysis. Based on the available evidence, the clinical significance of this variant remains unclear.